The following is an entry in ClinVar:

NM_139242.4(MTFMT):c.722-2A>G

Gene: MTFMT (mitochondrial methionyl-tRNA formyltransferase; minus strand). Cytogenetic location: 15q22.31.
Variant type: single nucleotide variant.
Coding change: c.722-2A>G on transcript NM_139242.4 (MANE Select); the canonical splice acceptor site of the intron before coding-DNA position 722, A replaced by G.
Molecular consequence: splice acceptor variant.
Genome position (GRCh38, 1-based): chr15:65,016,529, T>C on the plus strand (A>G on the coding strand, the complement: MTFMT is on the minus strand). VCF-style: chr15-65016529-T-C. GRCh37 (hg19) VCF-style: chr15-65308867-T-C.
Identifiers: ClinVar variation 2429485 (VCV002429485.4), dbSNP rs1321967748, ClinGen allele CA392850966.

ClinVar aggregate classification (germline): Likely pathogenic. Review status: criteria provided, multiple submitters, no conflicts (2 of 4 stars). 2 submissions from 2 submitters: Likely pathogenic (2). Last evaluated 2024-08-06.

Conditions:
Combined oxidative phosphorylation defect type 15. Also called: Combined oxidative phosphorylation deficiency 15. Identifiers: Orphanet 319524, MedGen C4706313, MONDO:0013987, OMIM 614947.

Allele frequency attached by ClinVar (database versions not stated): TOPMed below 0.00001; gnomAD 0.00001.
gnomAD v4.1: 1 of 1,606,248 alleles (0.000062%); highest among the groups gnomAD compares: Middle Eastern, 0.016%; no homozygotes.

Submissions (2):

GeneDx
Classification: Likely pathogenic. Last evaluated: 2024-08-06. Review status: criteria provided, single submitter. Criteria: GeneDx Variant Classification Process June 2021. Collection method: clinical testing. Allele origin: germline. Affected: yes.
Comment: Canonical splice site variant predicted to result in a null allele in a gene for which loss of function is a known mechanism of disease; Not observed at significant frequency in large population cohorts (gnomAD); Has not been previously published as pathogenic or benign to our knowledge

Breakthrough Genomics
Classification: Likely pathogenic for Combined oxidative phosphorylation defect type 15. Last evaluated: 2022-09-20. Review status: criteria provided, single submitter. Criteria: ACMG Guidelines, 2015. Collection method: clinical testing. Allele origin: germline. Affected: yes.
Comment: This variant has not been previously reported in the literature. However, oss-of-function variants in the MTFMT gene are known to be pathogenic [PMID: 21907147, 24461907].